The following is an entry in ClinVar:

ClinVar aggregate classification (germline): Uncertain significance (1 of 4 stars; one submission).

Allele frequency attached by ClinVar (database versions not stated): gnomAD exomes 0.00001; ExAC 0.00001; TOPMed 0.00002.
gnomAD v4.1: 19 of 1,613,854 alleles (0.0012%); highest among the groups gnomAD compares: African/African-American, 0.0013%; no homozygotes.

Submission:

Labcorp Genetics (formerly Invitae), Labcorp
Classification: Uncertain significance. Last evaluated: 2022-05-01. Review status: criteria provided, single submitter. Criteria: Invitae Variant Classification Sherloc (09022015). Collection method: clinical testing. Allele origin: germline.
Comment: In summary, the available evidence is currently insufficient to determine the role of this variant in disease. Therefore, it has been classified as a Variant of Uncertain Significance. Algorithms developed to predict the effect of missense changes on protein structure and function (SIFT, PolyPhen-2, Align-GVGD) all suggest that this variant is likely to be tolerated. This missense change has been observed in individual(s) with clinical features of SORL1-related conditions (PMID: 29376855). This variant is present in population databases (rs201992414, gnomAD 0.01%). This sequence change replaces glycine, which is neutral and non-polar, with alanine, which is neutral and non-polar, at codon 852 of the SORL1 protein (p.Gly852Ala).

Literature cited by the submitters: PubMed 29376855.

NM_003105.6(SORL1):c.2555G>C (p.Gly852Ala)

Gene: SORL1 (sortilin related receptor 1; plus strand). Cytogenetic location: 11q24.1.
Variant type: single nucleotide variant.
Coding change: c.2555G>C on transcript NM_003105.6 (MANE Select); coding-DNA position 2555, G replaced by C.
Protein change: p.Gly852Ala; replaces glycine 852 with alanine.
Molecular consequence: missense variant.
Genome position (GRCh38, 1-based): chr11:121,555,302, G>C. VCF-style: chr11-121555302-G-C. GRCh37 (hg19) VCF-style: chr11-121426011-G-C.
Other names: short protein forms G852A.
Identifiers: ClinVar variation 2070353 (VCV002070353.4), dbSNP rs201992414, ClinGen allele CA6328974.